The following is an entry in ClinVar:

ClinVar aggregate classification (germline): Pathogenic. Review status: criteria provided, multiple submitters, no conflicts (2 of 4 stars). 2 submissions from 2 submitters: Pathogenic (2). Last evaluated 2025-10-04.

Conditions:
Progressive sclerosing poliodystrophy (MTDPS4A). Also called: Mitochondrial DNA Depletion Syndrome 4A; ALPERS PROGRESSIVE INFANTILE POLIODYSTROPHY; NEURONAL DEGENERATION OF CHILDHOOD WITH LIVER DISEASE, PROGRESSIVE; Mitochondrial DNA depletion syndrome 4A (Alpers type); Alpers-Huttenlocher Syndrome (AHS); Alpers Syndrome. Identifiers: Orphanet 726, MedGen C0205710, MONDO:0008758, OMIM 203700.
Mitochondrial DNA depletion syndrome. Also called: mitochondrial DNA depletion. Identifiers: Orphanet 35698, MedGen C0342782, MONDO:0018158.

Submissions (2):

Labcorp Genetics (formerly Invitae), Labcorp
Classification: Pathogenic for Progressive sclerosing poliodystrophy. Last evaluated: 2025-10-04. Review status: criteria provided, single submitter. Criteria: Invitae Variant Classification Sherloc (09022015). Collection method: clinical testing. Allele origin: germline.
Comment: This sequence change replaces leucine, which is neutral and non-polar, with proline, which is neutral and non-polar, at codon 244 of the POLG protein (p.Leu244Pro). This variant is not present in population databases (gnomAD no frequency). This missense change has been observed in individuals with autosomal recessive POLG-related conditions (PMID: 15689359, 19125351). ClinVar contains an entry for this variant (Variation ID: 3896091). Invitae Evidence Modeling of protein sequence and biophysical properties (such as structural, functional, and spatial information, amino acid conservation, physicochemical variation, residue mobility, and thermodynamic stability) indicates that this missense variant is expected to disrupt POLG protein function with a positive predictive value of 95%. Experimental studies have shown that this missense change affects POLG function (PMID: 20185557, 20601675). This variant disrupts the p.Leu244 amino acid residue in POLG. Other variant(s) that disrupt this residue have been determined to be pathogenic (internal data). This suggests that this residue is clinically significant, and that variants that disrupt this residue are likely to be disease-causing. For these reasons, this variant has been classified as Pathogenic.

Women's Health and Genetics/Laboratory Corporation of America, LabCorp
Classification: Pathogenic for Mitochondrial DNA depletion syndrome. Last evaluated: 2025-03-19. Review status: criteria provided, single submitter. Criteria: LabCorp Variant Classification Summary - May 2015. Collection method: clinical testing. Allele origin: germline.
Comment: Variant summary: POLG c.731T>C (p.Leu244Pro) results in a non-conservative amino acid change located in the DNA mitochondrial polymerase, exonuclease domain (IPR041336) of the encoded protein sequence. Five of five in-silico tools predict a damaging effect of the variant on protein function. The variant was absent in 250940 control chromosomes (gnomAD). c.731T>C has been reported in the literature in individuals affected with Mitochondrial DNA Depletion Syndrome - POLG Related (Ferrari_2005, Nguyen_2006, Scalais_2012). These data indicate that the variant is likely to be associated with disease. At least one publication reports this variant affected the POLG protein function (Szczepanowska_2010). The following publications have been ascertained in the context of this evaluation (PMID: 15689359, 16545482, 22342071, 19125351, 20601675). No submitters have cited clinical-significance assessments for this variant to ClinVar. Based on the evidence outlined above, the variant was classified as pathogenic.

Literature cited by the submitters: PubMed 15689359 (cited by Labcorp Genetics (formerly Invitae), Labcorp and Women's Health and Genetics/Laboratory Corporation of America, LabCorp); PubMed 19125351 (cited by Labcorp Genetics (formerly Invitae), Labcorp and Women's Health and Genetics/Laboratory Corporation of America, LabCorp); PubMed 20185557 (cited by Labcorp Genetics (formerly Invitae), Labcorp); PubMed 20601675 (cited by Labcorp Genetics (formerly Invitae), Labcorp and Women's Health and Genetics/Laboratory Corporation of America, LabCorp); PubMed 16545482 (cited by Women's Health and Genetics/Laboratory Corporation of America, LabCorp); PubMed 22342071 (cited by Women's Health and Genetics/Laboratory Corporation of America, LabCorp).

NM_002693.3(POLG):c.731T>C (p.Leu244Pro)

Gene: POLG (DNA polymerase gamma, catalytic subunit; minus strand). Cytogenetic location: 15q26.1.
Variant type: single nucleotide variant.
Coding change: c.731T>C on transcript NM_002693.3 (MANE Select); coding-DNA position 731, T replaced by C.
Protein change: p.Leu244Pro; replaces leucine 244 with proline.
Molecular consequence: missense variant.
Genome position (GRCh38, 1-based): chr15:89,330,205, A>G on the plus strand (T>C on the coding strand, the complement: POLG is on the minus strand). VCF-style: chr15-89330205-A-G. GRCh37 (hg19) VCF-style: chr15-89873436-A-G.
Other names: c.731T>C, p.Leu244Pro (NM_001126131.2); short protein forms L244P.
Identifiers: ClinVar variation 3896091 (VCV003896091.2).